The following is an entry in ClinVar:

NM_022436.3(ABCG5):c.610G>A (p.Ala204Thr)

Genes: ABCG5 (ATP binding cassette subfamily G member 5; minus strand), DYNC2LI1 (dynein cytoplasmic 2 light intermediate chain 1; plus strand). Cytogenetic location: 2p21.
Variant type: single nucleotide variant.
Coding change: c.610G>A on transcript NM_022436.3 (MANE Select); coding-DNA position 610, G replaced by A.
Protein change: p.Ala204Thr; replaces alanine 204 with threonine.
Molecular consequence: missense variant. On other transcripts: 3 prime UTR variant (2).
Genome position (GRCh38, 1-based): chr2:43,828,007, C>T on the plus strand (G>A on the coding strand, the complement: ABCG5 is on the minus strand). VCF-style: chr2-43828007-C-T. GRCh37 (hg19) VCF-style: chr2-44055146-C-T.
Other names: c.*637C>T (NM_001348912.2, NM_001348913.2); short protein forms A204T.
Identifiers: ClinVar variation 336051 (VCV000336051.11), dbSNP rs765266332, ClinGen allele CA1636590.

ClinVar aggregate classification (germline): Conflicting classifications of pathogenicity. Review status: criteria provided, conflicting classifications (1 of 4 stars). 6 submissions from 6 submitters: Likely pathogenic (2); Uncertain significance (3). 1 of the submissions does not count toward it. Last evaluated 2026-08-28.

Conditions:
ABCG5-related disorder. Also called: ABCG5-related condition.
Sitosterolemia 1. Identifiers: MedGen C2749759, MONDO:0020747, OMIM 210250.
Sitosterolemia 2. Identifiers: MedGen C5231453, MONDO:0020748, OMIM 618666.
Sitosterolemia (STSL). Also called: PHYTOSTEROLEMIA. Identifiers: Orphanet 2882, MedGen C0342907, MONDO:0008863.

Allele frequency attached by ClinVar (database versions not stated): gnomAD exomes 0.00001 and 0.00002; TOPMed 0.00001; gnomAD 0.00001; ExAC 0.00002.
gnomAD v4.1: 27 of 1,613,920 alleles (0.0017%); highest among the groups gnomAD compares: Admixed American, 0.0033%; no homozygotes.

Submissions (6):

PreventionGenetics, part of Exact Sciences
Classification: Uncertain significance for ABCG5-related condition. Last evaluated: 2026-08-28. Review status: criteria provided, single submitter. Criteria: ACMG Guidelines, 2015. Collection method: clinical testing. Allele origin: germline.
Comment: The ABCG5 c.610G>A variant is predicted to result in the amino acid substitution p.Ala204Thr. This variant was reported along with an ABCG5 nonsense variant in an individual with sitosterolemia (Supplementary Table S5, Xia et al. 2022. PubMed ID: 34969652). This variant is reported in 0.0033% of alleles in individuals of South Asian descent in gnomAD. At this time, the clinical significance of this variant is uncertain due to the absence of conclusive functional and genetic evidence.

Labcorp Genetics (formerly Invitae), Labcorp
Classification: Uncertain significance for Sitosterolemia. Last evaluated: 2025-05-14. Review status: criteria provided, single submitter. Criteria: Invitae Variant Classification Sherloc (09022015). Collection method: clinical testing. Allele origin: germline.
Comment: This sequence change replaces alanine, which is neutral and non-polar, with threonine, which is neutral and polar, at codon 204 of the ABCG5 protein (p.Ala204Thr). The frequency data for this variant in the population databases is considered unreliable, as metrics indicate poor data quality at this position in the gnomAD database. This missense change has been observed in individual(s) with sitosterolemia (PMID: 4969652). ClinVar contains an entry for this variant (Variation ID: 336051). An algorithm developed to predict the effect of missense changes on protein structure and function (PolyPhen-2) suggests that this variant is likely to be disruptive. In summary, the available evidence is currently insufficient to determine the role of this variant in disease. Therefore, it has been classified as a Variant of Uncertain Significance.

Blueprint Genetics
Classification: Likely pathogenic for ABCG5-related disorders. Last evaluated: 2024-07-10. Review status: criteria provided, single submitter. Criteria: ACMG Guidelines, 2015. Collection method: clinical testing. Allele origin: germline. Affected: yes. Observed: 2 variant alleles.

Illumina Laboratory Services, Illumina
Classification: Uncertain significance for Sitosterolemia 1. Last evaluated: 2018-01-13. Review status: criteria provided, single submitter. Criteria: ICSL Variant Classification Criteria 13 December 2019. Collection method: clinical testing. Allele origin: germline.

Juno Genomics, Hangzhou Juno Genomics, Inc
Classification: Likely pathogenic for Sitosterolemia 2. Review status: criteria provided, single submitter. Criteria: ACMG Guidelines, 2015. Collection method: clinical testing. Allele origin: germline. Affected: yes.
Comment: Absent from controls (or at extremely low frequency if recessive) in Genome Aggregation Database.;Multiple lines of computational evidence support a deleterious effect on the gene or gene product.;For recessive disorders, detected in trans with a pathogenic variant.;Patient's phenotype or family history is highly specific for a disease with a single genetic etiology.

Cardiovascular Genetics Laboratory, PathWest Laboratory Medicine WA - Fiona Stanley Hospital
Classification: Uncertain significance for Sitosterolemia 2. Last evaluated: 2025-02-20. Review status: no assertion criteria provided. Criteria: ACMG Guidelines, 2015. Collection method: clinical testing. Allele origin: germline. Not counted in ClinVar's aggregate classification.

Literature cited by the submitters: PubMed 4969652 (cited by Labcorp Genetics (formerly Invitae), Labcorp).